The following is an entry in ClinVar:

ClinVar aggregate classification (germline): Likely pathogenic. Review status: criteria provided, multiple submitters, no conflicts (2 of 4 stars). 2 submissions from 2 submitters: Likely pathogenic (2). Last evaluated 2023-03-01.

Conditions:
Familial cancer of breast. Also called: Hereditary breast cancer; BREAST CANCER, FAMILIAL; hereditary breast carcinoma. Identifiers: Orphanet 227535, MedGen C0346153, MONDO:0016419, OMIM 114480. Disease mechanism: loss of function.
Hereditary cancer-predisposing syndrome. Also called: Neoplastic Syndromes, Hereditary; Tumor predisposition; Hereditary Cancer Syndrome; Hereditary neoplastic syndrome. Identifiers: Orphanet 140162, MedGen C0027672, MeSH D009386, MONDO:0015356.

gnomAD v4.1: 1 of 1,613,762 alleles (0.000062%); highest among the groups gnomAD compares: Non-Finnish European, 0.000085%; no homozygotes.

Submissions (2):

Labcorp Genetics (formerly Invitae), Labcorp
Classification: Likely pathogenic for Familial cancer of breast. Last evaluated: 2023-03-01. Review status: criteria provided, single submitter. Criteria: Invitae Variant Classification Sherloc (09022015). Collection method: clinical testing. Allele origin: germline.
Comment: This sequence change affects a donor splice site in intron 2 of the CHEK2 gene. It is expected to disrupt RNA splicing. Variants that disrupt the donor or acceptor splice site typically lead to a loss of protein function (PMID: 16199547), and loss-of-function variants in CHEK2 are known to be pathogenic (PMID: 21876083, 24713400). In summary, the currently available evidence indicates that the variant is pathogenic, but additional data are needed to prove that conclusively. Therefore, this variant has been classified as Likely Pathogenic. Algorithms developed to predict the effect of sequence changes on RNA splicing suggest that this variant may disrupt the consensus splice site. This variant has not been reported in the literature in individuals affected with CHEK2-related conditions. This variant is present in population databases (no rsID available, gnomAD 0.0009%).

Color Diagnostics, LLC DBA Color Health
Classification: Likely pathogenic for Hereditary cancer-predisposing syndrome. Last evaluated: 2022-12-05. Review status: criteria provided, single submitter. Criteria: ACMG Guidelines, 2015. Collection method: clinical testing. Allele origin: germline.
Comment: This variant causes a T to C nucleotide substitution at the canonical +2 position of intron 2 splice donor site of the CHEK2 gene. Splice site prediction tools predict that this variant may have a significant impact on RNA splicing. Although RNA studies have not been reported for this variant, this variant is expected to result in an absent or non-functional protein product. This variant has not been reported in individuals affected with CHEK2-related disorders in the literature. This variant has been identified in 1/250830 chromosomes in the general population by the Genome Aggregation Database (gnomAD). A different variant occurring at the same position, c.319+2T>A, is known to be disease-causing (ClinVar variation ID: 142352). Based on the available evidence, this variant is classified as Likely Pathogenic.

Literature cited by the submitters: PubMed 16199547 (cited by Labcorp Genetics (formerly Invitae), Labcorp); PubMed 21876083 (cited by Labcorp Genetics (formerly Invitae), Labcorp); PubMed 24713400 (cited by Labcorp Genetics (formerly Invitae), Labcorp).

NM_007194.4(CHEK2):c.319+2T>C

Gene: CHEK2 (checkpoint kinase 2; minus strand). Cytogenetic location: 22q12.1.
Variant type: single nucleotide variant.
Coding change: c.319+2T>C on transcript NM_007194.4 (MANE Select); the canonical splice donor site of the intron after coding-DNA position 319, T replaced by C.
Molecular consequence: splice donor variant. On other transcripts: intron variant (1).
Genome position (GRCh38, 1-based): chr22:28,734,401, A>G on the plus strand (T>C on the coding strand, the complement: CHEK2 is on the minus strand). VCF-style: chr22-28734401-A-G. GRCh37 (hg19) VCF-style: chr22-29130389-A-G.
Other names: c.-345+7368T>C (NM_001437942.1); c.319+2T>C (NM_001349956.3, NM_145862.3, NM_001438295.1 and 3 more transcripts); c.-459+2T>C (NM_001257387.3).
Identifiers: ClinVar variation 2775077 (VCV002775077.4), dbSNP rs587782401, ClinGen allele CA322998542.
Genomic context (GRCh38, chr22:28,734,401, plus strand): 5'-ATACAACTTTCTGTAAGTGTTTTTCTGAACAAAACGTGATACTATACAACAAAGGGTCTT[A>G]CCAAGATTGGCAAATCCATCCTGAAGGGCCCATAATCGAGCCCAGGGGGCAGGGGTAGGC-3'